The following is an entry in ClinVar:

ClinVar aggregate classification (germline): Uncertain significance (1 of 4 stars; one submission).

gnomAD v4.1: 4 of 1,613,886 alleles (0.00025%); highest among the groups gnomAD compares: African/African-American, 0.0053%; no homozygotes.

Submission:

Labcorp Genetics (formerly Invitae), Labcorp
Classification: Uncertain significance. Last evaluated: 2024-03-18. Review status: criteria provided, single submitter. Criteria: Invitae Variant Classification Sherloc (09022015). Collection method: clinical testing. Allele origin: germline.
Comment: This sequence change replaces alanine, which is neutral and non-polar, with threonine, which is neutral and polar, at codon 79 of the IKZF1 protein (p.Ala79Thr). This variant is not present in population databases (gnomAD no frequency). This variant has not been reported in the literature in individuals affected with IKZF1-related conditions. An algorithm developed to predict the effect of missense changes on protein structure and function (PolyPhen-2) suggests that this variant is likely to be disruptive. In summary, the available evidence is currently insufficient to determine the role of this variant in disease. Therefore, it has been classified as a Variant of Uncertain Significance.

NM_006060.6(IKZF1):c.235G>A (p.Ala79Thr)

Gene: IKZF1 (IKAROS family zinc finger 1; plus strand). Cytogenetic location: 7p12.2.
Variant type: single nucleotide variant.
Coding change: c.235G>A on transcript NM_006060.6 (MANE Select); coding-DNA position 235, G replaced by A.
Protein change: p.Ala79Thr; replaces alanine 79 with threonine.
Molecular consequence: missense variant. On other transcripts: intron variant (9).
Genome position (GRCh38, 1-based): chr7:50,376,607, G>A. VCF-style: chr7-50376607-G-A. GRCh37 (hg19) VCF-style: chr7-50444305-G-A.
Other names: c.161-15122G>A (NM_001291843.1, NM_001291844.1); c.161-23311G>A (NM_001291840.1); c.235G>A, p.Ala79Thr (NM_001220765.3, NM_001220768.2, NM_001220771.2 and 1 more transcripts); c.295G>A, p.Ala99Thr (NM_001410879.1); c.161-5933G>A (NM_001291839.2, NM_001291838.2, NM_001220767.2 and 1 more transcripts); c.161-10738G>A (NM_001291841.1, NM_001291842.1); short protein forms A99T, A79T.
Identifiers: ClinVar variation 3647666 (VCV003647666.2).